The following is an entry in ClinVar:

NM_001184.4(ATR):c.166G>A (p.Val56Ile)

Gene: ATR (ATR checkpoint kinase; minus strand). Cytogenetic location: 3q23.
Variant type: single nucleotide variant.
Coding change: c.166G>A on transcript NM_001184.4 (MANE Select); coding-DNA position 166, G replaced by A.
Protein change: p.Val56Ile; replaces valine 56 with isoleucine.
Molecular consequence: missense variant.
Genome position (GRCh38, 1-based): chr3:142,566,247, C>T on the plus strand (G>A on the coding strand, the complement: ATR is on the minus strand). VCF-style: chr3-142566247-C-T. GRCh37 (hg19) VCF-style: chr3-142285089-C-T.
Other names: c.166G>A, p.Val56Ile (NM_001354579.2); short protein forms V56I.
Identifiers: ClinVar variation 2561375 (VCV002561375.2), dbSNP rs2108494560, ClinGen allele CA354828742.

ClinVar aggregate classification (germline): Uncertain significance (1 of 4 stars; one submission).

Conditions:
Inborn genetic diseases. Identifiers: MedGen C0950123, MeSH D030342.

Allele frequency attached by ClinVar (database versions not stated): gnomAD exomes below 0.00001.
gnomAD v4.1: 3 of 1,613,736 alleles (0.00019%); highest among the groups gnomAD compares: Non-Finnish European, 0.00025%; no homozygotes.

Submission:

Ambry Genetics
Classification: Uncertain significance for Inborn genetic diseases. Last evaluated: 2023-06-03. Review status: criteria provided, single submitter. Criteria: Ambry Variant Classification Scheme 2023. Collection method: clinical testing. Allele origin: germline.
Comment: The p.V56I variant (also known as c.166G>A), located in coding exon 3 of the ATR gene, results from a G to A substitution at nucleotide position 166. The valine at codon 56 is replaced by isoleucine, an amino acid with highly similar properties. This amino acid position is conserved. In addition, this alteration is predicted to be tolerated by in silico analysis. Since supporting evidence is limited at this time, the clinical significance of this alteration remains unclear.